The following is an entry in ClinVar:

NM_002715.4(PPP2CA):c.85A>G (p.Lys29Glu)

Genes: MIR3661 (microRNA 3661; plus strand), PPP2CA (protein phosphatase 2 catalytic subunit alpha; minus strand). Cytogenetic location: 5q31.1.
Variant type: single nucleotide variant.
Coding change: c.85A>G on transcript NM_002715.4 (MANE Select); coding-DNA position 85, A replaced by G.
Protein change: p.Lys29Glu; replaces lysine 29 with glutamic acid.
Molecular consequence: missense variant. On other transcripts: non-coding transcript variant (1).
Genome position (GRCh38, 1-based): chr5:134,225,777, T>C on the plus strand (A>G on the coding strand, the complement: PPP2CA is on the minus strand). VCF-style: chr5-134225777-T-C. GRCh37 (hg19) VCF-style: chr5-133561468-T-C.
Other names: short protein forms K29E.
Identifiers: ClinVar variation 3897308 (VCV003897308.2).
Genomic context (GRCh38, chr5:134,225,777, plus strand): 5'-GCTCGGCCCCGCGGCGGCTGTCCGCAGCCGTACTACAGCTCACCTTCTCGCAGAGGCTCT[T>C]GACCTGGGACTCGGACAGCTGCTTGCACTCGTTCAGCTGCTCGATCCACTGGTCCAGCTC-3'
Protein context (NP_002706.1, residues 19-39): ECKQLSESQV[Lys29Glu]SLCEKAKEIL

ClinVar aggregate classification (germline): Uncertain significance (1 of 4 stars; one submission).

Submission:

GeneDx
Classification: Uncertain significance. Last evaluated: 2026-07-10. Review status: criteria provided, single submitter. Criteria: GeneDx Variant Classification Process June 2021. Collection method: clinical testing. Allele origin: germline.
Comment: Not observed at significant frequency in large population cohorts (gnomAD); In silico analysis suggests that this missense variant does not alter protein structure/function; Has not been previously published as pathogenic or benign to our knowledge